The following is an entry in ClinVar:

ClinVar aggregate classification (germline): Uncertain significance. Review status: criteria provided, single submitter (1 of 4 stars). 2 submissions from 2 submitters: Uncertain significance (1). 1 of the submissions does not count toward it. Last evaluated 2021-09-01.

Conditions:
Nemaline myopathy 2 (NEM2). Also called: Nemaline myopathy 2, autosomal recessive. Identifiers: MedGen C1850569, MONDO:0009725, OMIM 256030.

gnomAD v4.1: 2 of 1,613,914 alleles (0.00012%); highest among the groups gnomAD compares: South Asian, 0.0022%; no homozygotes.

Submissions (2):

Labcorp Genetics (formerly Invitae), Labcorp
Classification: Uncertain significance for Nemaline myopathy 2. Last evaluated: 2021-09-01. Review status: criteria provided, single submitter. Criteria: Invitae Variant Classification Sherloc (09022015). Collection method: clinical testing. Allele origin: germline.
Comment: This sequence change replaces valine with leucine at codon 2852 of the NEB protein (p.Val2852Leu). The valine residue is moderately conserved and there is a small physicochemical difference between valine and leucine. This variant is not present in population databases (ExAC no frequency). This variant has not been reported in the literature in individuals affected with NEB-related conditions. Algorithms developed to predict the effect of missense changes on protein structure and function output the following: SIFT: "Deleterious"; PolyPhen-2: "Not Available"; Align-GVGD: "Class C0". The leucine amino acid residue is found in multiple mammalian species, which suggests that this missense change does not adversely affect protein function. Algorithms developed to predict the effect of sequence changes on RNA splicing suggest that this variant may create or strengthen a splice site. In summary, the available evidence is currently insufficient to determine the role of this variant in disease. Therefore, it has been classified as a Variant of Uncertain Significance.

Natera, Inc.
Classification: Uncertain significance for Nemaline myopathy type 2. Last evaluated: 2020-10-14. Review status: no assertion criteria provided. Collection method: clinical testing. Allele origin: germline. Not counted in ClinVar's aggregate classification.

NM_001164508.2(NEB):c.8554G>T (p.Val2852Leu)

Gene: NEB (nebulin; minus strand). Cytogenetic location: 2q23.3.
Variant type: single nucleotide variant.
Coding change: c.8554G>T on transcript NM_001164508.2 (MANE Select); coding-DNA position 8554, G replaced by T.
Protein change: p.Val2852Leu; replaces valine 2852 with leucine.
Molecular consequence: missense variant.
Genome position (GRCh38, 1-based): chr2:151,640,486, C>A on the plus strand (G>T on the coding strand, the complement: NEB is on the minus strand). VCF-style: chr2-151640486-C-A. GRCh37 (hg19) VCF-style: chr2-152497000-C-A.
Other names: c.8554G>T, p.Val2852Leu (NM_001164507.2, NM_001271208.2, NM_004543.5); short protein forms V2852L.
Identifiers: ClinVar variation 841294 (VCV000841294.11), dbSNP rs1256097684, ClinGen allele CA348810337.
Genomic context (GRCh38, chr2:151,640,486, plus strand): 5'-GCAGGTAGTTCTTGTAGTCCACATCGCTGACTAAGGTCTGGCACTTCTTGGCCAGCACCA[C>A]CCCCAGCATGTCCACTGGGCTGCTGAACTTGGTCTTCCACTTCTCAAAGTCCTTCTTGTA-3'
Protein context (NP_001157980.2, residues 2842-2862): KFSSPVDMLG[Val2852Leu]VLAKKCQTLV